The following is an entry in ClinVar:

ClinVar aggregate classification (germline): Uncertain significance (1 of 4 stars; one submission).

Conditions:
Inborn genetic diseases. Identifiers: MedGen C0950123, MeSH D030342.

Submission:

Ambry Genetics
Classification: Uncertain significance for Inborn genetic diseases. Last evaluated: 2021-06-13. Review status: criteria provided, single submitter. Criteria: Ambry Variant Classification Scheme 2023. Collection method: clinical testing. Allele origin: germline.
Comment: The p.S232N variant (also known as c.695G>A), located in coding exon 6 of the BUB1B gene, results from a G to A substitution at nucleotide position 695. The serine at codon 232 is replaced by asparagine, an amino acid with highly similar properties. This amino acid position is conserved. In addition, this alteration is predicted to be tolerated by in silico analysis. Since supporting evidence is limited at this time, the clinical significance of this alteration remains unclear.

NM_001211.6(BUB1B):c.695G>A (p.Ser232Asn)

Gene: BUB1B (BUB1 mitotic checkpoint serine/threonine kinase B; plus strand). Cytogenetic location: 15q15.1.
Variant type: single nucleotide variant.
Coding change: c.695G>A on transcript NM_001211.6 (MANE Select); coding-DNA position 695, G replaced by A.
Protein change: p.Ser232Asn; replaces serine 232 with asparagine.
Molecular consequence: missense variant.
Genome position (GRCh38, 1-based): chr15:40,183,827, G>A. VCF-style: chr15-40183827-G-A. GRCh37 (hg19) VCF-style: chr15-40476028-G-A.
Other names: short protein forms S232N.
Identifiers: ClinVar variation 1756319 (VCV001756319.2), dbSNP rs2542533567, ClinGen allele CA391683410.